The following is an entry in ClinVar:

NM_001018113.3(FANCB):c.1901T>C (p.Leu634Pro)

Gene: FANCB (FA complementation group B; minus strand). Cytogenetic location: Xp22.2.
Variant type: single nucleotide variant.
Coding change: c.1901T>C on transcript NM_001018113.3 (MANE Select); coding-DNA position 1901, T replaced by C.
Protein change: p.Leu634Pro; replaces leucine 634 with proline.
Molecular consequence: missense variant.
Genome position (GRCh38, 1-based): chrX:14,844,882, A>G on the plus strand (T>C on the coding strand, the complement: FANCB is on the minus strand). VCF-style: chrX-14844882-A-G. GRCh37 (hg19) VCF-style: chrX-14863004-A-G.
Other names: c.1901T>C, p.Leu634Pro (NM_001324162.2, NM_001410764.1, NM_152633.4); short protein forms L634P.
Identifiers: ClinVar variation 4751278 (VCV004751278.1).

ClinVar aggregate classification (germline): Uncertain significance (1 of 4 stars; one submission).

Conditions:
Fanconi anemia (FA). Also called: Fanconi's anemia. Identifiers: Orphanet 84, MedGen C0015625, MeSH D005199, MONDO:0019391.

Submission:

Labcorp Genetics (formerly Invitae), Labcorp
Classification: Uncertain significance for Fanconi anemia. Last evaluated: 2025-06-14. Review status: criteria provided, single submitter. Criteria: Invitae Variant Classification Sherloc (09022015). Collection method: clinical testing. Allele origin: germline.
Comment: This sequence change replaces leucine, which is neutral and non-polar, with proline, which is neutral and non-polar, at codon 634 of the FANCB protein (p.Leu634Pro). This variant is present in population databases (no rsID available, gnomAD 0.001%). This variant has not been reported in the literature in individuals affected with FANCB-related conditions. Invitae Evidence Modeling of protein sequence and biophysical properties (such as structural, functional, and spatial information, amino acid conservation, physicochemical variation, residue mobility, and thermodynamic stability) indicates that this missense variant is not expected to disrupt FANCB protein function with a negative predictive value of 80%. In summary, the available evidence is currently insufficient to determine the role of this variant in disease. Therefore, it has been classified as a Variant of Uncertain Significance.